The following is an entry in ClinVar:

ClinVar aggregate classification (germline): Likely benign (1 of 4 stars; one submission).

Allele frequency attached by ClinVar (database versions not stated): 1000 Genomes Project 30x 0.00172; 1000 Genomes Project 0.00180; ESP Exome Variant Server 0.00484; TOPMed 0.00557; gnomAD 0.00699; ExAC 0.00743.
gnomAD v4.1: 12,112 of 1,613,848 alleles (0.75%); highest among the groups gnomAD compares: Middle Eastern, 0.81%; 73 homozygotes.

Submission:

CeGaT Center for Human Genetics Tuebingen
Classification: Likely benign. Last evaluated: 2023-04-01. Review status: criteria provided, single submitter. Criteria: CeGaT Center For Human Genetics Tuebingen Variant Classification Criteria Version 2. Collection method: clinical testing. Allele origin: germline. Affected: yes. Observed: 3 variant alleles.
Comment: CAPN7: BP4, BS2

NM_014296.3(CAPN7):c.328A>G (p.Ile110Val)

Gene: CAPN7 (calpain 7; plus strand). Cytogenetic location: 3p25.1.
Variant type: single nucleotide variant.
Coding change: c.328A>G on transcript NM_014296.3 (MANE Select); coding-DNA position 328, A replaced by G.
Protein change: p.Ile110Val; replaces isoleucine 110 with valine.
Molecular consequence: missense variant. On other transcripts: non-coding transcript variant (7).
Genome position (GRCh38, 1-based): chr3:15,217,541, A>G. VCF-style: chr3-15217541-A-G. GRCh37 (hg19) VCF-style: chr3-15259048-A-G.
Other names: c.196A>G, p.Ile66Val (NM_001376086.1, NM_001376091.1); c.328A>G, p.Ile110Val (NM_001376087.1, NM_001376089.1, NM_001376090.1 and 1 more transcripts); short protein forms I110V, I66V.
Identifiers: ClinVar variation 2653594 (VCV002653594.24), dbSNP rs140901333, ClinGen allele CA2274016.